The following is an entry in ClinVar:

ClinVar aggregate classification (germline): Pathogenic (1 of 4 stars; one submission).

Submission:

Labcorp Genetics (formerly Invitae), Labcorp
Classification: Pathogenic. Last evaluated: 2022-03-04. Review status: criteria provided, single submitter. Criteria: Invitae Variant Classification Sherloc (09022015). Collection method: clinical testing. Allele origin: germline.
Comment: The frequency data for this variant in the population databases is considered unreliable, as metrics indicate poor data quality at this position in the gnomAD database. For these reasons, this variant has been classified as Pathogenic. This variant has not been reported in the literature in individuals affected with COL9A2-related conditions. This sequence change creates a premature translational stop signal (p.Pro35Argfs*51) in the COL9A2 gene. It is expected to result in an absent or disrupted protein product. Loss-of-function variants in COL9A2 are known to be pathogenic (PMID: 21671392, 33356723).

Literature cited by the submitters: PubMed 21671392; PubMed 33356723.

NM_001852.4(COL9A2):c.104del (p.Pro35fs)

Genes: COL9A2 (collagen type IX alpha 2 chain; minus strand), LOC129930261 (ATAC-STARR-seq lymphoblastoid silent region 724; plus strand). Cytogenetic location: 1p34.2.
Variant type: Deletion.
Coding change: c.104del on transcript NM_001852.4 (MANE Select); coding-DNA position 104, one base deleted (C; older notation c.104delC).
Protein change: p.Pro35fs; shifts the reading frame from proline 35.
Molecular consequence: frameshift variant.
Genome position (GRCh38, 1-based): chr1:40,315,636, G deleted on the plus strand (C on the coding strand, the reverse complement: COL9A2 is on the minus strand); the first of 6 consecutive G bases (chr1:40,315,636-40,315,641); deleting any one gives the same sequence. VCF-style (leftmost placement, unchanged base first): chr1-40315635-CG-C. GRCh37 (hg19) VCF-style: chr1-40781307-CG-C.
Other names: short protein forms P35fs.
Identifiers: ClinVar variation 1959013 (VCV001959013.5), dbSNP rs761125486, ClinGen allele CA792105.